The following is an entry in ClinVar:

ClinVar aggregate classification (germline): Uncertain significance (1 of 4 stars; one submission).

Conditions:
Familial adenomatous polyposis 1 (FAP1). Also called: FAMILIAL ADENOMATOUS POLYPOSIS 1, ATTENUATED; POLYPOSIS, ADENOMATOUS INTESTINAL. Identifiers: MedGen C2713442, MONDO:0021056, OMIM 175100. Disease mechanism: loss of function.

Submission:

Labcorp Genetics (formerly Invitae), Labcorp
Classification: Uncertain significance for Familial adenomatous polyposis 1. Last evaluated: 2024-02-02. Review status: criteria provided, single submitter. Criteria: Invitae Variant Classification Sherloc (09022015). Collection method: clinical testing. Allele origin: germline.
Comment: This sequence change replaces arginine, which is basic and polar, with isoleucine, which is neutral and non-polar, at codon 1463 of the APC protein (p.Arg1463Ile). This variant is not present in population databases (gnomAD no frequency). This variant has not been reported in the literature in individuals affected with APC-related conditions. Advanced modeling of protein sequence and biophysical properties (such as structural, functional, and spatial information, amino acid conservation, physicochemical variation, residue mobility, and thermodynamic stability) performed at Invitae indicates that this missense variant is not expected to disrupt APC protein function with a negative predictive value of 95%. In summary, the available evidence is currently insufficient to determine the role of this variant in disease. Therefore, it has been classified as a Variant of Uncertain Significance.

NM_000038.6(APC):c.4388G>T (p.Arg1463Ile)

Gene: APC (APC regulator of Wnt signaling pathway; plus strand). Cytogenetic location: 5q22.2.
Variant type: single nucleotide variant.
Coding change: c.4388G>T on transcript NM_000038.6 (MANE Select); coding-DNA position 4388, G replaced by T.
Protein change: p.Arg1463Ile; replaces arginine 1463 with isoleucine.
Molecular consequence: missense variant. On other transcripts: non-coding transcript variant (2).
Genome position (GRCh38, 1-based): chr5:112,839,982, G>T. VCF-style: chr5-112839982-G-T. GRCh37 (hg19) VCF-style: chr5-112175679-G-T.
Other names: c.4388G>T, p.Arg1463Ile (NM_001127510.3, NM_001354895.2, NM_001407450.1); c.4334G>T, p.Arg1445Ile (NM_001127511.3); c.4442G>T, p.Arg1481Ile (NM_001354896.2, NM_001407447.1, NM_001407448.1 and 1 more transcripts); c.4418G>T, p.Arg1473Ile (NM_001354897.2); c.4313G>T, p.Arg1438Ile (NM_001354898.2); c.4304G>T, p.Arg1435Ile (NM_001354899.2); c.4265G>T, p.Arg1422Ile (NM_001354900.2); c.4211G>T, p.Arg1404Ile (NM_001354901.2, NM_001407453.1); and 11 more; short protein forms R1079I, R1180I, R1334I, R1337I, R1380I, R1435I, R1453I, R1473I.
Identifiers: ClinVar variation 3635462 (VCV003635462.2).